The following is an entry in ClinVar:

NM_004990.4(MARS1):c.352C>T (p.Arg118Trp)

Gene: MARS1 (methionyl-tRNA synthetase 1; plus strand). Cytogenetic location: 12q13.3.
Variant type: single nucleotide variant.
Coding change: c.352C>T on transcript NM_004990.4 (MANE Select); coding-DNA position 352, C replaced by T.
Protein change: p.Arg118Trp; replaces arginine 118 with tryptophan.
Molecular consequence: missense variant.
Genome position (GRCh38, 1-based): chr12:57,489,496, C>T. VCF-style: chr12-57489496-C-T. GRCh37 (hg19) VCF-style: chr12-57883279-C-T.
Other names: p.Arg118Trp; short protein forms R118W.
Identifiers: ClinVar variation 917041 (VCV000917041.11), dbSNP rs151196994, ClinGen allele CA6650140.

ClinVar aggregate classification (germline): Uncertain significance. Review status: criteria provided, multiple submitters, no conflicts (2 of 4 stars). 5 submissions from 5 submitters: Uncertain significance (5). Last evaluated 2026-05-25.

Conditions:
MARS1-related disorder. Also called: MARS1-related condition.
Charcot-Marie-Tooth disease. Also called: Charcot-Marie-Tooth Neuropathy; Charcot-Marie-Tooth Hereditary Neuropathy. Identifiers: Orphanet 166, MedGen C0007959, MONDO:0015626.
Severe early-onset pulmonary alveolar proteinosis due to MARS deficiency. Also called: PULMONARY ALVEOLAR PROTEINOSIS, REUNION ISLAND; Interstitial lung and liver disease. Identifiers: Orphanet 440427, MedGen C4225400, MONDO:0014206, OMIM 615486.
Charcot-Marie-Tooth disease axonal type 2U. Also called: CHARCOT-MARIE-TOOTH NEUROPATHY, TYPE 2U; CHARCOT-MARIE-TOOTH DISEASE, AXONAL, AUTOSOMAL DOMINANT, TYPE 2U. Identifiers: Orphanet 397735, MedGen C4084821, MONDO:0014566, OMIM 616280.

Allele frequency attached by ClinVar (database versions not stated): gnomAD 0.00019; ESP Exome Variant Server 0.00023; TOPMed 0.00051.
gnomAD v4.1: 70 of 1,614,008 alleles (0.0043%); highest among the groups gnomAD compares: African/African-American, 0.004%; 1 homozygote.

Submissions (5):

PreventionGenetics, part of Exact Sciences
Classification: Uncertain significance for MARS1-related condition. Last evaluated: 2026-05-25. Review status: criteria provided, single submitter. Criteria: ACMG Guidelines, 2015. Collection method: clinical testing. Allele origin: germline.
Comment: The MARS1 c.352C>T variant is predicted to result in the amino acid substitution p.Arg118Trp. To our knowledge, this variant has not been reported in the literature. This variant is reported in 0.0062% of alleles in individuals of European (Non-Finnish) descent in gnomAD. At this time, the clinical significance of this variant is uncertain due to the absence of conclusive functional and genetic evidence.

Mayo Clinic Laboratories, Mayo Clinic
Classification: Uncertain significance. Last evaluated: 2025-03-05. Review status: criteria provided, single submitter. Criteria: ACMG Guidelines, 2015. Collection method: clinical testing. Allele origin: germline. Observed: 1 variant allele.

Labcorp Genetics (formerly Invitae), Labcorp
Classification: Uncertain significance for Charcot-Marie-Tooth disease axonal type 2U; Severe early-onset pulmonary alveolar proteinosis due to MARS deficiency. Last evaluated: 2025-01-20. Review status: criteria provided, single submitter. Criteria: Invitae Variant Classification Sherloc (09022015). Collection method: clinical testing. Allele origin: germline.
Comment: This sequence change replaces arginine, which is basic and polar, with tryptophan, which is neutral and slightly polar, at codon 118 of the MARS protein (p.Arg118Trp). This variant is present in population databases (rs151196994, gnomAD 0.006%). This variant has not been reported in the literature in individuals affected with MARS-related conditions. ClinVar contains an entry for this variant (Variation ID: 917041). An algorithm developed to predict the effect of missense changes on protein structure and function (PolyPhen-2) suggests that this variant is likely to be tolerated. Algorithms developed to predict the effect of sequence changes on RNA splicing suggest that this variant may disrupt the consensus splice site. In summary, the available evidence is currently insufficient to determine the role of this variant in disease. Therefore, it has been classified as a Variant of Uncertain Significance.

Ambry Genetics
Classification: Uncertain significance. Last evaluated: 2024-07-16. Review status: criteria provided, single submitter. Criteria: Ambry Variant Classification Scheme 2023. Collection method: clinical testing. Allele origin: germline.

Molecular Genetics Laboratory, London Health Sciences Centre
Classification: Uncertain significance for Charcot-Marie-Tooth disease. Review status: criteria provided, single submitter. Criteria: ACMG Guidelines, 2015. Collection method: clinical testing. Allele origin: germline. Affected: yes.